The following is an entry in ClinVar:

NM_000368.5(TSC1):c.410T>C (p.Ile137Thr)

Gene: TSC1 (TSC complex subunit 1; minus strand). Cytogenetic location: 9q34.13.
Variant type: single nucleotide variant.
Coding change: c.410T>C on transcript NM_000368.5 (MANE Select); coding-DNA position 410, T replaced by C.
Protein change: p.Ile137Thr; replaces isoleucine 137 with threonine.
Molecular consequence: missense variant. On other transcripts: non-coding transcript variant (5), 5 prime UTR variant (5).
Genome position (GRCh38, 1-based): chr9:132,923,446, A>G on the plus strand (T>C on the coding strand, the complement: TSC1 is on the minus strand). VCF-style: chr9-132923446-A-G. GRCh37 (hg19) VCF-style: chr9-135798833-A-G.
Other names: c.410T>C, p.Ile137Thr (NM_001406602.1, NM_001406603.1, NM_001406604.1 and 16 more transcripts); c.257T>C, p.Ile86Thr (NM_001406610.1, NM_001406611.1, NM_001162427.2 and 2 more transcripts); c.-610T>C (NM_001406629.1); c.-684T>C (NM_001406630.1); c.47T>C, p.Ile16Thr (NM_001362177.2, NM_001406614.1, NM_001406615.1 and 10 more transcripts); c.-468T>C (NM_001406626.1, NM_001406627.1, NM_001406628.1); short protein forms I86T, I137T, I16T.
Identifiers: ClinVar variation 4709622 (VCV004709622.1).

ClinVar aggregate classification (germline): Uncertain significance (1 of 4 stars; one submission).

Conditions:
Tuberous sclerosis 1 (TSC1). Identifiers: Orphanet 805, MedGen C1854465, MONDO:0008612, OMIM 191100.

Submission:

Labcorp Genetics (formerly Invitae), Labcorp
Classification: Uncertain significance for Tuberous sclerosis 1. Last evaluated: 2025-12-07. Review status: criteria provided, single submitter. Criteria: Invitae Variant Classification Sherloc (09022015). Collection method: clinical testing. Allele origin: germline.
Comment: This sequence change replaces isoleucine, which is neutral and non-polar, with threonine, which is neutral and polar, at codon 137 of the TSC1 protein (p.Ile137Thr). This variant is not present in population databases (gnomAD no frequency). This variant has not been reported in the literature in individuals affected with TSC1-related conditions. Invitae Evidence Modeling of protein sequence and biophysical properties (such as structural, functional, and spatial information, amino acid conservation, physicochemical variation, residue mobility, and thermodynamic stability) indicates that this missense variant is not expected to disrupt TSC1 protein function with a negative predictive value of 95%. In summary, the available evidence is currently insufficient to determine the role of this variant in disease. Therefore, it has been classified as a Variant of Uncertain Significance.